The following is an entry in ClinVar:

NM_001130438.3(SPTAN1):c.1383_1384delinsTT (p.Gln461_Gln462delinsHisTer)

Gene: SPTAN1 (spectrin alpha, non-erythrocytic 1; plus strand). Cytogenetic location: 9q34.11.
Variant type: Indel.
Coding change: c.1383_1384delinsTT on transcript NM_001130438.3 (MANE Select); coding-DNA positions 1383 to 1384, GC replaced by TT.
Protein change: p.Gln461_Gln462delinsHisTer.
Molecular consequence: nonsense.
Genome position (GRCh38, 1-based): chr9:128,580,981-128,580,982, GC replaced by TT. VCF-style: chr9-128580981-GC-TT. GRCh37 (hg19) VCF-style: chr9-131343260-GC-TT.
Other names: c.1383_1384delinsTT, p.Gln461_Gln462delinsHisTer (NM_001195532.2, NM_001363759.2, NM_001363765.2 and 5 more transcripts); c.1419_1420delinsTT, p.Gln473_Gln474delinsHisTer (NM_001375312.2, NM_001375318.1).
Identifiers: ClinVar variation 1312733 (VCV001312733.2), dbSNP rs2131088955, ClinGen allele CA2573053108.

ClinVar aggregate classification (germline): Uncertain significance (1 of 4 stars; one submission).

Submission:

GeneDx
Classification: Uncertain significance. Last evaluated: 2020-06-17. Review status: criteria provided, single submitter. Criteria: GeneDx Variant Classification Process June 2021. Collection method: clinical testing. Allele origin: germline. Affected: yes.
Comment: Not observed in large population cohorts (Lek et al., 2016); Frameshift variant predicted to result in protein truncation or nonsense mediated decay in a gene for which loss-of-function is not a known mechanism of disease; Has not been previously published as pathogenic or benign to our knowledge